The following is an entry in ClinVar:

ClinVar aggregate classification (germline): Pathogenic/Likely pathogenic. Review status: criteria provided, multiple submitters, no conflicts (2 of 4 stars). 3 submissions from 3 submitters: Pathogenic (1); Likely pathogenic (2). Last evaluated 2024-10-04.

Conditions:
Hao-Fountain syndrome (HAFOUS). Identifiers: Orphanet 643549, MedGen C5393908, MONDO:0014805.
Hypotonia. Also called: poor muscle tone; Muscular hypotonia. Identifiers: MedGen C0026827, HP:0001252.

Submissions (3):

Dubai Health Genomic Medicine Center, Dubai Health
Classification: Likely pathogenic for Hao-Fountain syndrome. Last evaluated: 2024-10-04. Review status: criteria provided, single submitter. Criteria: ACMG Guidelines, 2015. Collection method: research. Allele origin: germline. Affected: yes.
Comment: PVS1, PM2

MGZ Medical Genetics Center
Classification: Likely pathogenic for Hao-Fountain syndrome due to USP7 mutation. Last evaluated: 2021-07-19. Review status: criteria provided, single submitter. Criteria: ACMG Guidelines, 2015. Collection method: clinical testing. Allele origin: germline. Affected: yes. Observed: 1 variant allele.
Comment: ACMG criteria applied: PVS1, PM2_SUP

Equipe Genetique des Anomalies du Developpement, Université de Bourgogne
Classification: Pathogenic for Hypotonia. Review status: criteria provided, single submitter. Criteria: ACMG Guidelines, 2015. Collection method: clinical testing. Allele origin: de novo. Affected: yes.

NM_003470.3(USP7):c.2596C>T (p.Gln866Ter)

Gene: USP7 (ubiquitin specific peptidase 7; minus strand). Cytogenetic location: 16p13.2.
Variant type: single nucleotide variant.
Coding change: c.2596C>T on transcript NM_003470.3 (MANE Select); coding-DNA position 2596, C replaced by T.
Protein change: p.Gln866Ter; replaces glutamine 866 with a stop codon.
Molecular consequence: nonsense. On other transcripts: non-coding transcript variant (1).
Genome position (GRCh38, 1-based): chr16:8,898,575, G>A on the plus strand (C>T on the coding strand, the complement: USP7 is on the minus strand). VCF-style: chr16-8898575-G-A. GRCh37 (hg19) VCF-style: chr16-8992432-G-A.
Other names: c.2548C>T, p.Gln850Ter (NM_001286457.2); c.2299C>T, p.Gln767Ter (NM_001286458.2); c.2422C>T, p.Gln808Ter (NM_001321858.2); short protein forms Q767*, Q808*, Q850*, Q866*.
Identifiers: ClinVar variation 1172595 (VCV001172595.5), dbSNP rs2141167019, ClinGen allele CA394698221.